The following is an entry in ClinVar:

ClinVar aggregate classification (germline): Uncertain significance (1 of 4 stars; one submission).

Conditions:
Congenital sensory neuropathy with selective loss of small myelinated fibers (HSAN5). Also called: HSAN Type V. Identifiers: Orphanet 64752, MedGen C0020075, MONDO:0012092, OMIM 608654.

gnomAD v4.1: 2 of 1,614,228 alleles (0.00012%); highest among the groups gnomAD compares: Non-Finnish European, 0.00017%; no homozygotes.

Submission:

Labcorp Genetics (formerly Invitae), Labcorp
Classification: Uncertain significance for Congenital sensory neuropathy with selective loss of small myelinated fibers. Last evaluated: 2019-03-22. Review status: criteria provided, single submitter. Criteria: Invitae Variant Classification Sherloc (09022015). Collection method: clinical testing. Allele origin: germline.
Comment: In summary, the available evidence is currently insufficient to determine the role of this variant in disease. Therefore, it has been classified as a Variant of Uncertain Significance. Algorithms developed to predict the effect of missense changes on protein structure and function output the following: SIFT: "Tolerated"; PolyPhen-2: "Benign"; Align-GVGD: "Class C0". The isoleucine amino acid residue is found in multiple mammalian species, suggesting that this missense change does not adversely affect protein function. These predictions have not been confirmed by published functional studies and their clinical significance is uncertain. This variant has not been reported in the literature in individuals with NGF-related conditions. This variant is not present in population databases (ExAC no frequency). This sequence change replaces asparagine with isoleucine at codon 164 of the NGF protein (p.Asn164Ile). The asparagine residue is moderately conserved and there is a large physicochemical difference between asparagine and isoleucine.

NM_002506.3(NGF):c.491A>T (p.Asn164Ile)

Genes: NGF (nerve growth factor; minus strand), NGF-AS1 (NGF antisense RNA 1; plus strand). Cytogenetic location: 1p13.2.
Variant type: single nucleotide variant.
Coding change: c.491A>T on transcript NM_002506.3 (MANE Select); coding-DNA position 491, A replaced by T.
Protein change: p.Asn164Ile; replaces asparagine 164 with isoleucine.
Molecular consequence: missense variant.
Genome position (GRCh38, 1-based): chr1:115,286,305, T>A on the plus strand (A>T on the coding strand, the complement: NGF is on the minus strand). VCF-style: chr1-115286305-T-A. GRCh37 (hg19) VCF-style: chr1-115828926-T-A.
Other names: short protein forms N164I.
Identifiers: ClinVar variation 861291 (VCV000861291.9), dbSNP rs1653498654, ClinGen allele CA341836438.